The following is an entry in ClinVar:

ClinVar aggregate classification (germline): Uncertain significance (1 of 4 stars; one submission).

Allele frequency attached by ClinVar (database versions not stated): gnomAD exomes below 0.00001; TOPMed below 0.00001.
gnomAD v4.1: 1 of 1,611,468 alleles (0.000062%); highest among the groups gnomAD compares: African/African-American, 0.0013%; no homozygotes.

Submission:

GeneDx
Classification: Uncertain significance. Last evaluated: 2021-12-20. Review status: criteria provided, single submitter. Criteria: GeneDx Variant Classification Process June 2021. Collection method: clinical testing. Allele origin: germline. Affected: yes.
Comment: Not observed at significant frequency in large population cohorts (Lek et al., 2016); In silico analysis supports a deleterious effect on splicing; Has not been previously published as pathogenic or benign to our knowledge

NM_004999.4(MYO6):c.1945-3C>G

Gene: MYO6 (myosin VI; plus strand). Cytogenetic location: 6q14.1.
Variant type: single nucleotide variant.
Coding change: c.1945-3C>G on transcript NM_004999.4 (MANE Select); 3 bases into the intron before coding-DNA position 1945, C replaced by G.
Molecular consequence: intron variant.
Genome position (GRCh38, 1-based): chr6:75,870,644, C>G. VCF-style: chr6-75870644-C-G. GRCh37 (hg19) VCF-style: chr6-76580361-C-G.
Other names: c.1945-3C>G (NM_001368865.1, NM_001368866.1, NM_001368137.1 and 2 more transcripts); c.1930-3C>G (NM_001368138.1).
Identifiers: ClinVar variation 1329698 (VCV001329698.2), dbSNP rs1285253674, ClinGen allele CA568152318.